The following is an entry in ClinVar:

ClinVar aggregate classification (germline): Pathogenic/Likely pathogenic. Review status: criteria provided, multiple submitters, no conflicts (2 of 4 stars). 4 submissions from 4 submitters: Pathogenic (1); Likely pathogenic (2). 1 of the submissions does not count toward it. Last evaluated 2024-08-28.

Conditions:
GTF2H5-related disorders.
Trichothiodystrophy 3, photosensitive (TTD3). Also called: Trichothiodystrophy, complementation group A. Identifiers: Orphanet 33364, MedGen C4017171, MONDO:0014619, OMIM 616395.

Allele frequency attached by ClinVar (database versions not stated): gnomAD 0.00002; TOPMed 0.00002; ExAC 0.00003.
gnomAD v4.1: 56 of 1,613,508 alleles (0.0035%); highest among the groups gnomAD compares: Non-Finnish European, 0.0043%; no homozygotes.

Submissions (4):

Labcorp Genetics (formerly Invitae), Labcorp
Classification: Likely pathogenic. Last evaluated: 2024-08-28. Review status: criteria provided, single submitter. Criteria: Invitae Variant Classification Sherloc (09022015). Collection method: clinical testing. Allele origin: germline.
Comment: This sequence change creates a premature translational stop signal (p.Arg56*) in the GTF2H5 gene. While this is not anticipated to result in nonsense mediated decay, it is expected to disrupt the last 16 amino acid(s) of the GTF2H5 protein. This variant is present in population databases (rs121434364, gnomAD 0.006%). This premature translational stop signal has been observed in individuals with trichothiodystrophy (PMID: 15220921, 25620205). ClinVar contains an entry for this variant (Variation ID: 2103). Algorithms developed to predict the effect of variants on gene product structure and function are not available or were not evaluated for this variant. Experimental studies have shown that this premature translational stop signal affects GTF2H5 function (PMID: 15220921). Algorithms developed to predict the effect of sequence changes on RNA splicing suggest that this variant may create or strengthen a splice site. In summary, the currently available evidence indicates that the variant is pathogenic, but additional data are needed to prove that conclusively. Therefore, this variant has been classified as Likely Pathogenic.

Blueprint Genetics
Classification: Likely pathogenic for GTF2H5-related disorders. Last evaluated: 2023-12-05. Review status: criteria provided, single submitter. Criteria: ACMG Guidelines, 2015. Collection method: clinical testing. Allele origin: germline. Affected: yes. Observed: 1 variant allele.

Eurofins Ntd Llc (ga)
Classification: Pathogenic. Last evaluated: 2016-01-06. Review status: criteria provided, single submitter. Criteria: EGL Classification Definitions 2015. Collection method: clinical testing. Allele origin: germline. Observed: 1 variant allele, 1 heterozygote.

OMIM
Classification: Pathogenic for TRICHOTHIODYSTROPHY 3, PHOTOSENSITIVE. Last evaluated: 2004-07-01. Review status: no assertion criteria provided. Collection method: literature only. Allele origin: germline. Not counted in ClinVar's aggregate classification.

Literature cited by the submitters: PubMed 15220921 (cited by Labcorp Genetics (formerly Invitae), Labcorp and OMIM); PubMed 25620205 (cited by Labcorp Genetics (formerly Invitae), Labcorp).

NM_207118.3(GTF2H5):c.166C>T (p.Arg56Ter)

Gene: GTF2H5 (general transcription factor IIH subunit 5; plus strand). Cytogenetic location: 6q25.3.
Variant type: single nucleotide variant.
Coding change: c.166C>T on transcript NM_207118.3 (MANE Select); coding-DNA position 166, C replaced by T.
Protein change: p.Arg56Ter; replaces arginine 56 with a stop codon.
Molecular consequence: nonsense.
Genome position (GRCh38, 1-based): chr6:158,192,107, C>T. VCF-style: chr6-158192107-C-T. GRCh37 (hg19) VCF-style: chr6-158613139-C-T.
Other names: short protein forms R56*.
Identifiers: ClinVar variation 2103 (VCV000002103.11), dbSNP rs121434364, ClinGen allele CA115339.